The following is an entry in ClinVar:

NM_001853.4(COL9A3):c.369C>T (p.Pro123=)

Gene: COL9A3 (collagen type IX alpha 3 chain; plus strand). Cytogenetic location: 20q13.33.
Variant type: single nucleotide variant.
Coding change: c.369C>T on transcript NM_001853.4 (MANE Select); coding-DNA position 369, C replaced by T.
Protein change: p.Pro123=; no amino-acid change (proline 123 retained).
Molecular consequence: synonymous variant.
Genome position (GRCh38, 1-based): chr20:62,821,530, C>T. VCF-style: chr20-62821530-C-T. GRCh37 (hg19) VCF-style: chr20-61452882-C-T.
Identifiers: ClinVar variation 3686213 (VCV003686213.2).
Genomic context (GRCh38, chr20:62,821,530, plus strand): 5'-TGCCTGGCAGGCTCTGACCCCATGTTTGGCTTTGCAGGGCAAAGGCCTCCCTGGACCCCC[C>T]GTGAGTACTGACAACCCTTGGGGCCCTGAGCAAGCACGCAAGTCCCGAGAGCCTGCCAGG-3'
Protein context (NP_001844.3, residues 113-133): GLGGKGLPGP[Pro123=]GEAGVSGPPG

ClinVar aggregate classification (germline): Uncertain significance (1 of 4 stars; one submission).

gnomAD v4.1: 16 of 1,612,540 alleles (0.00099%); highest among the groups gnomAD compares: East Asian, 0.0067%; no homozygotes.

Submission:

Labcorp Genetics (formerly Invitae), Labcorp
Classification: Uncertain significance. Last evaluated: 2025-02-19. Review status: criteria provided, single submitter. Criteria: Invitae Variant Classification Sherloc (09022015). Collection method: clinical testing. Allele origin: germline.
Comment: This sequence change affects codon 123 of the COL9A3 mRNA. It is a 'silent' change, meaning that it does not change the encoded amino acid sequence of the COL9A3 protein. It affects a nucleotide within the consensus splice site. This variant is present in population databases (rs145536132, gnomAD 0.007%). This variant has not been reported in the literature in individuals affected with COL9A3-related conditions. Algorithms developed to predict the effect of sequence changes on RNA splicing suggest that this variant is not likely to affect RNA splicing. In summary, the available evidence is currently insufficient to determine the role of this variant in disease. Therefore, it has been classified as a Variant of Uncertain Significance.